The following is an entry in ClinVar:

ClinVar aggregate classification (germline): Uncertain significance (1 of 4 stars; one submission).

gnomAD v4.1: 22 of 1,609,890 alleles (0.0014%); highest among the groups gnomAD compares: Non-Finnish European, 0.0018%; no homozygotes.

Submission:

Labcorp Genetics (formerly Invitae), Labcorp
Classification: Uncertain significance. Last evaluated: 2024-12-02. Review status: criteria provided, single submitter. Criteria: Invitae Variant Classification Sherloc (09022015). Collection method: clinical testing. Allele origin: germline.
Comment: This sequence change replaces glutamine, which is neutral and polar, with histidine, which is basic and polar, at codon 813 of the FUK protein (p.Gln813His). This variant is not present in population databases (gnomAD no frequency). This variant has not been reported in the literature in individuals affected with FUK-related conditions. An algorithm developed to predict the effect of missense changes on protein structure and function (PolyPhen-2) suggests that this variant is likely to be tolerated. In summary, the available evidence is currently insufficient to determine the role of this variant in disease. Therefore, it has been classified as a Variant of Uncertain Significance.

NM_145059.3(FCSK):c.2439G>T (p.Gln813His)

Gene: FCSK (fucose kinase; plus strand). Cytogenetic location: 16q22.1.
Variant type: single nucleotide variant.
Coding change: c.2439G>T on transcript NM_145059.3 (MANE Select); coding-DNA position 2439, G replaced by T.
Protein change: p.Gln813His; replaces glutamine 813 with histidine.
Molecular consequence: missense variant.
Genome position (GRCh38, 1-based): chr16:70,475,411, G>T. VCF-style: chr16-70475411-G-T. GRCh37 (hg19) VCF-style: chr16-70509314-G-T.
Other names: short protein forms Q813H.
Identifiers: ClinVar variation 3686922 (VCV003686922.2).